The following is an entry in ClinVar:

ClinVar aggregate classification (germline): Benign. Review status: criteria provided, multiple submitters, no conflicts (2 of 4 stars). 5 submissions from 5 submitters: Benign (5). Last evaluated 2026-01-27.

Conditions:
Cataract 33. Also called: CATARACT 33, CORTICAL. Identifiers: Orphanet 91492, MedGen C3808107, MONDO:0012665, OMIM 611391.

Allele frequency attached by ClinVar (database versions not stated): gnomAD exomes 0.25408; ESP Exome Variant Server 0.26803; gnomAD 0.27904 and 0.28294; TOPMed 0.28744; ExAC 0.28780; 1000 Genomes Project 30x 0.33823; 1000 Genomes Project 0.33946.
gnomAD v4.1: 415,318 of 1,613,960 alleles (26%); highest among the groups gnomAD compares: East Asian, 39%; 55,506 homozygotes.

Submissions (6):

Labcorp Genetics (formerly Invitae), Labcorp
Classification: Benign for Cataract 33. Last evaluated: 2026-01-27. Review status: criteria provided, single submitter. Criteria: Invitae Variant Classification Sherloc (09022015). Collection method: clinical testing. Allele origin: germline.

Genome-Nilou Lab
Classification: Benign for Cataract 33. Last evaluated: 2021-07-14. Review status: criteria provided, single submitter. Criteria: ACMG Guidelines, 2015. Collection method: clinical testing. Allele origin: germline. Affected: no.

GeneDx
Classification: Benign. Last evaluated: 2018-04-02. Review status: criteria provided, single submitter. Criteria: GeneDx Variant Classification (06012015). Collection method: clinical testing. Allele origin: germline. Affected: yes.
Comment: This variant is considered likely benign or benign based on one or more of the following criteria: it is a conservative change, it occurs at a poorly conserved position in the protein, it is predicted to be benign by multiple in silico algorithms, and/or has population frequency not consistent with disease.

Breakthrough Genomics
Classification: Benign. Review status: criteria provided, single submitter. Criteria: ACMG Guidelines, 2015. Collection method: not provided. Allele origin: germline. Inheritance: Autosomal recessive inheritance. Affected: yes.

PreventionGenetics, part of Exact Sciences
Classification: Benign. Review status: criteria provided, single submitter. Criteria: ACMG Guidelines, 2015. Collection method: clinical testing. Allele origin: germline.

Dr. Peter K. Rogan Lab, Western University
No classification provided (evidence only). Condition: Malignant lymphoma, large B-cell, diffuse. Review status: no classification provided. Collection method: in vitro. Allele origin: not applicable. Functional consequence: retained intron. Not counted in ClinVar's aggregate classification.

NM_001195.5(BFSP1):c.1500G>A (p.Ala500=)

Gene: BFSP1 (beaded filament structural protein 1; minus strand). Cytogenetic location: 20p12.1.
Variant type: single nucleotide variant.
Coding change: c.1500G>A on transcript NM_001195.5 (MANE Select); coding-DNA position 1500, G replaced by A.
Protein change: p.Ala500=; no amino-acid change (alanine 500 retained).
Molecular consequence: synonymous variant.
Genome position (GRCh38, 1-based): chr20:17,494,572, C>T on the plus strand (G>A on the coding strand, the complement: BFSP1 is on the minus strand). VCF-style: chr20-17494572-C-T. GRCh37 (hg19) VCF-style: chr20-17475217-C-T.
Other names: c.1125G>A, p.Ala375= (NM_001161705.2); c.1083G>A, p.Ala361= (NM_001278606.2, NM_001278608.2); c.1167G>A, p.Ala389= (NM_001278607.2).
Identifiers: ClinVar variation 257614 (VCV000257614.16), dbSNP rs6136118, ClinGen allele CA9772043.